The following is an entry in ClinVar:

ClinVar aggregate classification (germline): Uncertain significance (1 of 4 stars; one submission).

Conditions:
Immunodeficiency 35 (IMD35). Also called: TYK2 DEFICIENCY; HIES WITH ATYPICAL MYCOBACTERIOSIS, AUTOSOMAL RECESSIVE; HYPER-IgE SYNDROME WITH ATYPICAL MYCOBACTERIOSIS, AUTOSOMAL RECESSIVE; Susceptibility to infection due to TYK2 deficiency. Identifiers: Orphanet 331226, MedGen C1969086, MONDO:0012682, OMIM 611521.

Allele frequency attached by ClinVar (database versions not stated): gnomAD 0.00002; TOPMed 0.00004; gnomAD exomes 0.00013; ESP Exome Variant Server 0.00015; ExAC 0.00037.
gnomAD v4.1: 42 of 1,490,290 alleles (0.0028%); highest among the groups gnomAD compares: African/African-American, 0.0084%; no homozygotes.

Submission:

Labcorp Genetics (formerly Invitae), Labcorp
Classification: Uncertain significance for Immunodeficiency 35. Last evaluated: 2020-03-07. Review status: criteria provided, single submitter. Criteria: Invitae Variant Classification Sherloc (09022015). Collection method: clinical testing. Allele origin: germline.
Comment: This sequence change replaces arginine with tryptophan at codon 992 of the TYK2 protein (p.Arg992Trp). The arginine residue is highly conserved and there is a moderate physicochemical difference between arginine and tryptophan. In summary, the available evidence is currently insufficient to determine the role of this variant in disease. Therefore, it has been classified as a Variant of Uncertain Significance. Algorithms developed to predict the effect of missense changes on protein structure and function are either unavailable or do not agree on the potential impact of this missense change (SIFT: "Not Available"; PolyPhen-2: "Probably Damaging"; Align-GVGD: "Not Available"). This variant has not been reported in the literature in individuals with TYK2-related conditions. This variant is present in population databases (rs370401636, ExAC 0.05%).

NM_003331.5(TYK2):c.2974C>T (p.Arg992Trp)

Gene: TYK2 (tyrosine kinase 2; minus strand). Cytogenetic location: 19p13.2.
Variant type: single nucleotide variant.
Coding change: c.2974C>T on transcript NM_003331.5 (MANE Select); coding-DNA position 2974, C replaced by T.
Protein change: p.Arg992Trp; replaces arginine 992 with tryptophan.
Molecular consequence: missense variant.
Genome position (GRCh38, 1-based): chr19:10,353,581, G>A on the plus strand (C>T on the coding strand, the complement: TYK2 is on the minus strand). VCF-style: chr19-10353581-G-A. GRCh37 (hg19) VCF-style: chr19-10464257-G-A.
Other names: c.3055C>T, p.Arg1019Trp (NM_001385203.1); c.3184C>T, p.Arg1062Trp (NM_001385204.1); c.2884C>T, p.Arg962Trp (NM_001385205.1); c.2848C>T, p.Arg950Trp (NM_001385206.1); c.2956C>T, p.Arg986Trp (NM_001385207.1); c.2974C>T, p.Arg992Trp (NM_001385197.1, NM_001385198.1); c.2788C>T, p.Arg930Trp (NM_001385199.1); c.2971C>T, p.Arg991Trp (NM_001385200.1); and 2 more; short protein forms R1019W, R1062W, R926W, R930W, R950W, R962W, R964W, R986W.
Identifiers: ClinVar variation 1022856 (VCV001022856.5), dbSNP rs370401636, ClinGen allele CA9192856.